The following is an entry in ClinVar:

NM_001849.4(COL6A2):c.2704C>A (p.His902Asn)

Gene: COL6A2 (collagen type VI alpha 2 chain; plus strand). Cytogenetic location: 21q22.3.
Variant type: single nucleotide variant.
Coding change: c.2704C>A on transcript NM_001849.4 (MANE Select); coding-DNA position 2704, C replaced by A.
Protein change: p.His902Asn; replaces histidine 902 with asparagine.
Molecular consequence: missense variant.
Genome position (GRCh38, 1-based): chr21:46,132,196, C>A. VCF-style: chr21-46132196-C-A. GRCh37 (hg19) VCF-style: chr21-47552110-C-A.
Other names: short protein forms H902N.
Identifiers: ClinVar variation 858172 (VCV000858172.14), dbSNP rs773974101, ClinGen allele CA10072981.

ClinVar aggregate classification (germline): Conflicting classifications of pathogenicity. Review status: criteria provided, conflicting classifications (1 of 4 stars). 3 submissions from 3 submitters: Uncertain significance (2); Likely benign (1). Last evaluated 2025-07-19.

Conditions:
Collagen 6-related myopathy. Identifiers: MedGen CN117976, MONDO:0100225.
Bethlem myopathy 1A. Also called: MYOPATHY, BENIGN CONGENITAL, WITH CONTRACTURES; Bethlem myopathy 1; Bethlem Muscular Dystrophy. Identifiers: Orphanet 610, MedGen CN029274, MONDO:0024530, OMIM 158810.

Allele frequency attached by ClinVar (database versions not stated): TOPMed below 0.00001; gnomAD 0.00001; ExAC 0.00006.
gnomAD v4.1: 2 of 1,579,070 alleles (0.00013%); highest among the groups gnomAD compares: Non-Finnish European, 0.00017%; no homozygotes.

Submissions (3):

Labcorp Genetics (formerly Invitae), Labcorp
Classification: Uncertain significance for Bethlem myopathy 1A. Last evaluated: 2025-07-19. Review status: criteria provided, single submitter. Criteria: Invitae Variant Classification Sherloc (09022015). Collection method: clinical testing. Allele origin: germline.
Comment: This sequence change replaces histidine, which is basic and polar, with asparagine, which is neutral and polar, at codon 902 of the COL6A2 protein (p.His902Asn). The frequency data for this variant in the population databases is considered unreliable, as metrics indicate poor data quality at this position in the gnomAD database. This variant has not been reported in the literature in individuals affected with COL6A2-related conditions. ClinVar contains an entry for this variant (Variation ID: 858172). Invitae Evidence Modeling of protein sequence and biophysical properties (such as structural, functional, and spatial information, amino acid conservation, physicochemical variation, residue mobility, and thermodynamic stability) indicates that this missense variant is not expected to disrupt COL6A2 protein function with a negative predictive value of 80%. In summary, the available evidence is currently insufficient to determine the role of this variant in disease. Therefore, it has been classified as a Variant of Uncertain Significance.

Blueprint Genetics
Classification: Uncertain significance. Last evaluated: 2022-11-15. Review status: criteria provided, single submitter. Criteria: ACMG Guidelines, 2015. Collection method: clinical testing. Allele origin: germline.

Illumina Laboratory Services, Illumina
Classification: Likely benign for Collagen VI-related myopathy. Last evaluated: 2018-01-12. Review status: criteria provided, single submitter. Criteria: ICSL Variant Classification Criteria 13 December 2019. Collection method: clinical testing. Allele origin: germline.
Comment: This variant was observed in the ICSL laboratory as part of a predisposition screen in an ostensibly healthy population. It had not been previously curated by ICSL or reported in the Human Gene Mutation Database (HGMD: prior to June 1st, 2018), and was therefore a candidate for classification through an automated scoring system. Utilizing variant allele frequency, disease prevalence and penetrance estimates, and inheritance mode, an automated score was calculated to assess if this variant is too frequent to cause the disease. Based on the score and internal cut-off values, a variant classified as likely benign is not then subjected to further curation. The score for this variant resulted in a classification of likely benign for this disease.